The following is an entry in ClinVar:

ClinVar aggregate classification (germline): Likely benign. Review status: criteria provided, multiple submitters, no conflicts (2 of 4 stars). 2 submissions from 2 submitters: Likely benign (2). Last evaluated 2025-03-18.

Conditions:
Chédiak-Higashi syndrome (CHS). Also called: Chediak-Higashi Syndrome. Identifiers: Orphanet 167, MedGen C0007965, MONDO:0008963, OMIM 214500.

gnomAD v4.1: 10 of 1,613,972 alleles (0.00062%); highest among the groups gnomAD compares: African/African-American, 0.0013%; no homozygotes.

Submissions (2):

Labcorp Genetics (formerly Invitae), Labcorp
Classification: Likely benign for Chédiak-Higashi syndrome. Last evaluated: 2025-03-18. Review status: criteria provided, single submitter. Criteria: Invitae Variant Classification Sherloc (09022015). Collection method: clinical testing. Allele origin: germline.

Women's Health and Genetics/Laboratory Corporation of America, LabCorp
Classification: Likely benign. Last evaluated: 2024-11-01. Review status: criteria provided, single submitter. Criteria: LabCorp Variant Classification Summary - May 2015. Collection method: clinical testing. Allele origin: germline.
Comment: Variant summary: LYST c.4297C>A alters a conserved nucleotide resulting in a synonymous change. Consensus agreement among computation tools predict no significant impact on normal splicing. However, these predictions have yet to be confirmed by functional studies. The variant allele was found at a frequency of 4e-06 in 251298 control chromosomes. The available data on variant occurrences in the general population are insufficient to allow any conclusion about variant significance. To our knowledge, no occurrence of c.4297C>A in individuals affected with Chediak-Higashi Syndrome and no experimental evidence demonstrating its impact on protein function have been reported. ClinVar contains an entry for this variant (Variation ID: 2970240). Based on the evidence outlined above, the variant was classified as likely benign.

NM_000081.4(LYST):c.4297C>A (p.Arg1433=)

Gene: LYST (lysosomal trafficking regulator; minus strand). Cytogenetic location: 1q42.3.
Variant type: single nucleotide variant.
Coding change: c.4297C>A on transcript NM_000081.4 (MANE Select); coding-DNA position 4297, C replaced by A.
Protein change: p.Arg1433=; no amino-acid change (arginine 1433 retained).
Molecular consequence: synonymous variant.
Genome position (GRCh38, 1-based): chr1:235,791,945, G>T on the plus strand (C>A on the coding strand, the complement: LYST is on the minus strand). VCF-style: chr1-235791945-G-T. GRCh37 (hg19) VCF-style: chr1-235955245-G-T.
Other names: c.4297C>A, p.Arg1433= (NM_001301365.1).
Identifiers: ClinVar variation 2970240 (VCV002970240.4), dbSNP rs772648319, ClinGen allele CA1466878.